The following is an entry in ClinVar:

NM_015215.4(CAMTA1):c.883G>C (p.Gly295Arg)

Gene: CAMTA1 (calmodulin binding transcription activator 1; plus strand). Cytogenetic location: 1p36.23.
Variant type: single nucleotide variant.
Coding change: c.883G>C on transcript NM_015215.4 (MANE Select); coding-DNA position 883, G replaced by C.
Protein change: p.Gly295Arg; replaces glycine 295 with arginine.
Molecular consequence: missense variant.
Genome position (GRCh38, 1-based): chr1:7,663,430, G>C. VCF-style: chr1-7663430-G-C. GRCh37 (hg19) VCF-style: chr1-7723490-G-C.
Other names: c.793G>C, p.Gly265Arg (NM_001349608.2, NM_001349612.2); c.883G>C, p.Gly295Arg (NM_001349609.2, NM_001349610.2); c.883G>C (NM_015215.2); short protein forms G265R, G295R.
Identifiers: ClinVar variation 1691023 (VCV001691023.3), dbSNP rs754686062, ClinGen allele CA17243861.

ClinVar aggregate classification (germline): Uncertain significance. Review status: criteria provided, multiple submitters, no conflicts (2 of 4 stars). 2 submissions from 2 submitters: Uncertain significance (2). Last evaluated 2026-04-06.

Conditions:
Inborn genetic diseases. Identifiers: MedGen C0950123, MeSH D030342.

Allele frequency attached by ClinVar (database versions not stated): gnomAD exomes below 0.00001; TOPMed below 0.00001.
gnomAD v4.1: 6 of 1,571,400 alleles (0.00038%); highest among the groups gnomAD compares: Admixed American, 0.0018%; no homozygotes.

Submissions (2):

Ambry Genetics
Classification: Uncertain significance for Inborn genetic diseases. Last evaluated: 2026-04-06. Review status: criteria provided, single submitter. Criteria: Ambry Variant Classification Scheme 2023. Collection method: clinical testing. Allele origin: germline.

Laboratorio de Genetica e Diagnostico Molecular, Hospital Israelita Albert Einstein
Classification: Uncertain significance. Last evaluated: 2021-04-07. Review status: criteria provided, single submitter. Criteria: ACMG Guidelines, 2015. Collection method: clinical testing. Allele origin: germline. Affected: yes.
Comment: ACMG classification criteria: PM2, BP4